The following is an entry in ClinVar:

NM_015335.5(MED13L):c.1543T>G (p.Ser515Ala)

Gene: MED13L (mediator complex subunit 13L; minus strand). Cytogenetic location: 12q24.21.
Variant type: single nucleotide variant.
Coding change: c.1543T>G on transcript NM_015335.5 (MANE Select); coding-DNA position 1543, T replaced by G.
Protein change: p.Ser515Ala; replaces serine 515 with alanine.
Molecular consequence: missense variant.
Genome position (GRCh38, 1-based): chr12:116,008,870, A>C on the plus strand (T>G on the coding strand, the complement: MED13L is on the minus strand). VCF-style: chr12-116008870-A-C. GRCh37 (hg19) VCF-style: chr12-116446675-A-C.
Other names: short protein forms S515A.
Identifiers: ClinVar variation 521222 (VCV000521222.8), dbSNP rs777986630, ClinGen allele CA6811403.
Genomic context (GRCh38, chr12:116,008,870, plus strand): 5'-TTCTGGAAGGCACGGCCATTTGCTTATCATATTTCCTACTGCTAGACACCTCTAAGGAGG[A>C]GTCTATCCCTGCCAACCCTAGTTTCTGTCCTGGTGTATCTTGCTCCATGCATAATTCTTC-3'
Protein context (NP_056150.1, residues 505-525): GQKLGLAGID[Ser515Ala]SLEVSSSRKY

ClinVar aggregate classification (germline): Conflicting classifications of pathogenicity. Review status: criteria provided, conflicting classifications (1 of 4 stars). 2 submissions from 2 submitters: Uncertain significance (1); Benign (1). Last evaluated 2024-12-03.

Conditions:
Dextro-looped transposition of the great arteries. Also called: Dextrotransposition of the great arteries. Identifiers: Orphanet 860, MedGen C3531771, MONDO:0019443, OMIM 608808, HP:0031348.
Inborn genetic diseases. Identifiers: MedGen C0950123, MeSH D030342.

Allele frequency attached by ClinVar (database versions not stated): TOPMed 0.00011.
gnomAD v4.1: 33 of 1,613,902 alleles (0.002%); highest among the groups gnomAD compares: African/African-American, 0.04%; no homozygotes.

Submissions (2):

Labcorp Genetics (formerly Invitae), Labcorp
Classification: Benign for Dextro-looped transposition of the great arteries. Last evaluated: 2024-12-03. Review status: criteria provided, single submitter. Criteria: Invitae Variant Classification Sherloc (09022015). Collection method: clinical testing. Allele origin: germline.

Ambry Genetics
Classification: Uncertain significance for Hereditary disease. Last evaluated: 2016-08-08. Review status: criteria provided, single submitter. Criteria: ambry_reporting_categories_2017. Collection method: clinical testing. Allele origin: germline. Affected: yes. Observed: 1 heterozygote. Segregation with disease observed.
Comment: Lines of evidence used in support of classification: UNCERTAIN: Alteration(s) of Uncertain Clinical Significance Detected

Literature cited by the submitters: PubMed 24267886 (cited by Ambry Genetics); PubMed 24781760 (cited by Ambry Genetics); PubMed 14638541 (cited by Ambry Genetics); PubMed 25356899 (cited by Ambry Genetics); PubMed 25137640 (cited by Ambry Genetics); PubMed 24896178 (cited by Ambry Genetics); PubMed 25758992 (cited by Ambry Genetics); PubMed 23403903 (cited by Ambry Genetics); PubMed 25712080 (cited by Ambry Genetics); PubMed 5167861 (cited by Ambry Genetics); PubMed 25167861 (cited by Ambry Genetics); PubMed 28371282 (cited by Ambry Genetics); PubMed 28645799 (cited by Ambry Genetics); PubMed 27899622 (cited by Ambry Genetics); PubMed 28588821 (cited by Ambry Genetics); PubMed 29159987 (cited by Ambry Genetics).